The following is an entry in ClinVar:

ClinVar aggregate classification (germline): Uncertain significance (1 of 4 stars; one submission).

Conditions:
Brugada syndrome. Also called: Sudden unexpected nocturnal death syndrome; Sudden Unexplained Death Syndrome; Sudden Unexplained Nocturnal Death Syndrome (SUNDS); Sudden unexplained nocturnal death syndrome. Identifiers: Orphanet 130, MedGen C1142166, MONDO:0015263.

Submission:

Labcorp Genetics (formerly Invitae), Labcorp
Classification: Uncertain significance for Brugada syndrome. Last evaluated: 2022-12-21. Review status: criteria provided, single submitter. Criteria: Invitae Variant Classification Sherloc (09022015). Collection method: clinical testing. Allele origin: unknown.
Comment: In summary, the available evidence is currently insufficient to determine the role of this variant in disease. Therefore, it has been classified as a Variant of Uncertain Significance. Experimental studies and prediction algorithms are not available or were not evaluated, and the functional significance of this variant is currently unknown. This variant has not been reported in the literature in individuals affected with CACNA2D1-related conditions. This variant results in a copy number gain of the genomic region encompassing exon(s) 8-39 of the CACNA2D1 gene. This region includes the termination codon of the gene. This copy number gain extends beyond the assayed region for this gene and therefore may encompass additional genes. As the precise location of this event is unknown, it may be in tandem or it may be located elsewhere in the genome.

NC_000007.13:g.(?_81579708)_(81695860_?)dup

Gene: CACNA2D1 (calcium voltage-gated channel auxiliary subunit alpha2delta 1; minus strand). Cytogenetic location: 7q21.11.
Variant type: Duplication.
Identifiers: ClinVar variation 3245742 (VCV003245742.1).